The following is an entry in ClinVar:

ClinVar aggregate classification (germline): Uncertain significance (1 of 4 stars; one submission).

Allele frequency attached by ClinVar (database versions not stated): gnomAD 0.00001; gnomAD exomes 0.00001.
gnomAD v4.1: 13 of 1,595,694 alleles (0.00081%); highest among the groups gnomAD compares: Admixed American, 0.0017%; no homozygotes.

Submission:

CeGaT Center for Human Genetics Tuebingen
Classification: Uncertain significance. Last evaluated: 2022-03-01. Review status: criteria provided, single submitter. Criteria: CeGaT Center For Human Genetics Tuebingen Variant Classification Criteria Version 2. Collection method: clinical testing. Allele origin: germline. Affected: yes. Observed: 1 variant allele.
Comment: TBCD: PM2, BP4

NM_005993.5(TBCD):c.3490C>T (p.Leu1164Phe)

Gene: TBCD (tubulin folding cofactor D). Cytogenetic location: 17q25.3.
Variant type: single nucleotide variant.
Coding change: c.3490C>T on transcript NM_005993.5 (MANE Select); coding-DNA position 3490, C replaced by T.
Protein change: p.Leu1164Phe; replaces leucine 1164 with phenylalanine.
Molecular consequence: missense variant.
Genome position (GRCh38, 1-based): chr17:82,941,409, C>T. VCF-style: chr17-82941409-C-T. GRCh37 (hg19) VCF-style: chr17-80899285-C-T.
Other names: c.3439C>T, p.Leu1147Phe (NM_001411101.1); c.3409C>T, p.Leu1137Phe (NM_001411102.1); short protein forms L1137F, L1147F, L1164F.
Identifiers: ClinVar variation 2648504 (VCV002648504.24), dbSNP rs923773324, ClinGen allele CA295287743.